The following is an entry in ClinVar:

ClinVar aggregate classification (germline): Uncertain significance. Review status: criteria provided, multiple submitters, no conflicts (2 of 4 stars). 9 submissions from 9 submitters: Uncertain significance (8). 1 of the submissions does not count toward it. Last evaluated 2025-09-04.

Conditions:
Hereditary nonpolyposis colorectal neoplasms. Identifiers: MedGen C0009405, MeSH D003123.
Hereditary cancer-predisposing syndrome. Also called: Tumor predisposition; Hereditary Cancer Syndrome; Hereditary neoplastic syndrome; Neoplastic Syndromes, Hereditary. Identifiers: Orphanet 140162, MedGen C0027672, MeSH D009386, MONDO:0015356.
Lynch syndrome. Identifiers: Orphanet 144, MedGen C4552100, MONDO:0005835. Disease mechanism: loss of function.
Lynch syndrome 4 (LYNCH4). Also called: Colorectal cancer, hereditary nonpolyposis, type 4; Hereditary non-polyposis colorectal cancer, type 4. Identifiers: Orphanet 144, MedGen C1838333, MONDO:0013699, OMIM 614337. Disease mechanism: loss of function.

Allele frequency attached by ClinVar (database versions not stated): TOPMed below 0.00001.

Submissions (9):

Color Diagnostics, LLC DBA Color Health
Classification: Uncertain significance for Hereditary cancer-predisposing syndrome. Last evaluated: 2025-09-04. Review status: criteria provided, single submitter. Criteria: ACMG Guidelines, 2015. Collection method: clinical testing. Allele origin: germline.
Comment: This missense variant replaces glutamine with glutamic acid at codon 233 of the PMS2 protein. Computational prediction suggests that this variant may not impact protein structure and function. To our knowledge, functional studies have not been reported for this variant. This variant has not been reported in individuals affected with PMS2-related disorders in the literature. This variant has been identified in 2/282860 chromosomes in the general population by the Genome Aggregation Database (gnomAD). The available evidence is insufficient to determine the role of this variant in disease conclusively. Therefore, this variant is classified as a Variant of Uncertain Significance.

Labcorp Genetics (formerly Invitae), Labcorp
Classification: Uncertain significance for Hereditary nonpolyposis colorectal neoplasms. Last evaluated: 2025-07-27. Review status: criteria provided, single submitter. Criteria: Invitae Variant Classification Sherloc (09022015). Collection method: clinical testing. Allele origin: germline.
Comment: This sequence change replaces glutamine, which is neutral and polar, with glutamic acid, which is acidic and polar, at codon 233 of the PMS2 protein (p.Gln233Glu). This variant is present in population databases (rs587779343, gnomAD 0.008%). This variant has not been reported in the literature in individuals affected with PMS2-related conditions. ClinVar contains an entry for this variant (Variation ID: 182800). Invitae Evidence Modeling incorporating data from in vitro experimental studies (internal data) indicates that this missense variant is not expected to disrupt PMS2 function with a negative predictive value of 95%. In summary, the available evidence is currently insufficient to determine the role of this variant in disease. Therefore, it has been classified as a Variant of Uncertain Significance.

Ambry Genetics
Classification: Uncertain significance for Hereditary cancer-predisposing syndrome. Last evaluated: 2024-06-05. Review status: criteria provided, single submitter. Criteria: Ambry Variant Classification Scheme 2023. Collection method: clinical testing. Allele origin: germline.
Comment: The p.Q233E variant (also known as c.697C>G), located in coding exon 6 of the PMS2 gene, results from a C to G substitution at nucleotide position 697. The glutamine at codon 233 is replaced by glutamic acid, an amino acid with highly similar properties. This amino acid position is not well conserved in available vertebrate species. In addition, the in silico prediction for this alteration is inconclusive. Based on the available evidence, the clinical significance of this variant remains unclear.

Baylor Genetics
Classification: Uncertain significance for Lynch syndrome 4. Last evaluated: 2024-02-28. Review status: criteria provided, single submitter. Criteria: ACMG Guidelines, 2015. Collection method: clinical testing. Allele origin: unknown.

All of Us Research Program, National Institutes of Health
Classification: Uncertain significance for Lynch syndrome. Last evaluated: 2023-10-02. Review status: criteria provided, single submitter. Criteria: ACMG Guidelines, 2015. Collection method: clinical testing. Allele origin: germline. Inheritance: Autosomal dominant inheritance. Observed: 2 variant alleles, 2 heterozygotes.
Comment: This missense variant replaces glutamine with glutamic acid at codon 233 of the PMS2 protein. Computational prediction suggests that this variant may not impact protein structure and function (internally defined REVEL score threshold <= 0.5, PMID: 27666373). To our knowledge, functional studies have not been reported for this variant. This variant has not been reported in individuals affected with PMS2-related disorders in the literature. This variant has been identified in 2/282860 chromosomes in the general population by the Genome Aggregation Database (gnomAD). The available evidence is insufficient to determine the role of this variant in disease conclusively. Therefore, this variant is classified as a Variant of Uncertain Significance.

This study involves interpretation of variants in research participants for the purpose of population health screening. Participant phenotype was not available at the time of variant classification. Additional details can be found in publication PMID: 35346344, PMCID: PMC8962531

Myriad Genetics, Inc.
Classification: Uncertain significance for Lynch syndrome 4. Last evaluated: 2023-04-04. Review status: criteria provided, single submitter. Criteria: Myriad Autosomal Dominant, Autosomal Recessive and X-Linked Classification Criteria (2023). Collection method: clinical testing. Allele origin: unknown.
Comment: This variant is classified as a variant of uncertain significance as there is insufficient evidence to determine its impact on protein function and/or cancer risk.

Women's Health and Genetics/Laboratory Corporation of America, LabCorp
Classification: Uncertain significance. Last evaluated: 2022-01-20. Review status: criteria provided, single submitter. Criteria: LabCorp Variant Classification Summary - May 2015. Collection method: clinical testing. Allele origin: germline.

GeneDx
Classification: Uncertain significance. Last evaluated: 2014-07-02. Review status: criteria provided, single submitter. Criteria: GeneDx Variant Classification (06012015). Collection method: clinical testing. Allele origin: germline. Affected: yes.
Comment: This variant is denoted PMS2 c.697C>G at the cDNA level, p.Gln233Glu (Q233E) at the protein level, and results in the change of a Glutamine to a Glutamic Acid (CAG>GAG). This variant has not, to our knowledge, been published in the literature as pathogenic or benign. PMS2 Gln233Glu was not observed in approximately 6,500 individuals of European and African American ancestry in the NHLBI Exome Sequencing Project, indicating it is not a common benign variant in these populations. Since Glutamine and Glutamic Acid differ in some properties, this is considered a semi-conservative amino acid substitution. PMS2 Gln233Glu occurs at a position that is highly conserved across species and is located in the ATPase domain (Fukui 2011). In silico analyses predict that this variant is unlikely to alter protein structure or function. Based on currently available information, it is unclear whether PMS2 Gln233Glu is pathogenic or benign. We consider it to be a variant of uncertain significance.

Counsyl
Classification: Uncertain significance for Lynch syndrome 4. Last evaluated: 2016-09-07. Review status: no assertion criteria provided. Collection method: clinical testing. Allele origin: unknown. Not counted in ClinVar's aggregate classification.

NM_000535.7(PMS2):c.697C>G (p.Gln233Glu)

Gene: PMS2 (PMS1 homolog 2, mismatch repair system component; minus strand). Cytogenetic location: 7p22.1.
Variant type: single nucleotide variant.
Coding change: c.697C>G on transcript NM_000535.7 (MANE Select); coding-DNA position 697, C replaced by G.
Protein change: p.Gln233Glu; replaces glutamine 233 with glutamic acid.
Molecular consequence: missense variant. On other transcripts: 5 prime UTR variant (2), non-coding transcript variant (1), intron variant (1).
Genome position (GRCh38, 1-based): chr7:5,999,116, G>C on the plus strand (C>G on the coding strand, the complement: PMS2 is on the minus strand). VCF-style: chr7-5999116-G-C. GRCh37 (hg19) VCF-style: chr7-6038747-G-C.
Other names: p.Q233E:CAG>GAG; c.292C>G, p.Gln98Glu (NM_001322005.2, NM_001322004.2, NM_001322003.2 and 2 more transcripts); c.697C>G, p.Gln233Glu (NM_001322006.2, NM_001322014.2); c.379C>G, p.Gln127Glu (NM_001322007.2, NM_001322008.2); c.-237C>G (NM_001322011.2, NM_001322012.2); c.388C>G, p.Gln130Glu (NM_001322015.2); c.133-1693C>G (NM_001322013.2); short protein forms Q233E, Q98E, Q127E, Q130E.
Identifiers: ClinVar variation 182800 (VCV000182800.23), dbSNP rs587779343, ClinGen allele CA012555.
Genomic context (GRCh38, chr7:5,999,116, plus strand): 5'-CGCTATAATCACTAGAGCAATAAGAGGCGTTGAAGTAACCGGCCATCACTACCTGCTTCT[G>C]CCCAAACACAGAGCCGATATTTTCCTTTATGCTGGGGCTTCCACCTGTGCATACCACAGG-3'
Protein context (NP_000526.2, residues 223-243): IKENIGSVFG[Gln233Glu]KQLQSLIPFV